The following is an entry in ClinVar:

NM_000059.4(BRCA2):c.5880T>C (p.Cys1960=)

Gene: BRCA2 (BRCA2 DNA repair associated; plus strand). Cytogenetic location: 13q13.1.
Variant type: single nucleotide variant.
Coding change: c.5880T>C on transcript NM_000059.4 (MANE Select); coding-DNA position 5880, T replaced by C.
Protein change: p.Cys1960=; no amino-acid change (cysteine 1960 retained).
Molecular consequence: synonymous variant.
Genome position (GRCh38, 1-based): chr13:32,340,235, T>C. VCF-style: chr13-32340235-T-C. GRCh37 (hg19) VCF-style: chr13-32914372-T-C.
Identifiers: ClinVar variation 186232 (VCV000186232.35), dbSNP rs368055906, ClinGen allele CA023334.
Genomic context (GRCh38, chr13:32,340,235, plus strand): 5'-GAAAGTTTCTAAAATATCACCTTGTGATGTTAGTTTGGAAACTTCAGATATATGTAAATG[T>C]AGTATAGGGAAGCTTCATAAGTCAGTCTCATCTGCAAATACTTGTGGGATTTTTAGCACA-3'
Protein context (NP_000050.3, residues 1950-1970): VSLETSDICK[Cys1960=]SIGKLHKSVS

ClinVar aggregate classification (germline): Likely benign. Review status: reviewed by expert panel (3 of 4 stars). 13 submissions from 13 submitters: Likely benign (1). 12 of the submissions do not count toward it. Last evaluated 2017-06-29.

Conditions:
BRCA2-related disorder. Also called: BRCA2-related condition; BRCA2-related disorders. Identifiers: MedGen CN239275.
Hereditary cancer-predisposing syndrome. Also called: Tumor predisposition; Neoplastic Syndromes, Hereditary; Hereditary Cancer Syndrome; Hereditary neoplastic syndrome. Identifiers: Orphanet 140162, MedGen C0027672, MeSH D009386, MONDO:0015356.
Hereditary breast ovarian cancer syndrome. Also called: Hereditary breast and ovarian cancer; Hereditary breast and ovarian cancer syndrome (HBOC); Breast and ovarian cancer; Hereditary breast and/or ovarian cancer syndrome; BRCA1- and BRCA2-Associated Hereditary Breast and Ovarian Cancer; Hereditary breast and ovarian cancer syndrome. Identifiers: Orphanet 145, MedGen C0677776, MeSH D061325, MONDO:0003582. Disease mechanism: loss of function.
Breast-ovarian cancer, familial, susceptibility to, 2 (BROVCA2). Also called: BRCA2 Hereditary Breast and Ovarian Cancer. Identifiers: Orphanet 145, MedGen C2675520, MONDO:0012933, OMIM 612555. Disease mechanism: loss of function.

Allele frequency attached by ClinVar (database versions not stated): TOPMed below 0.00001; gnomAD 0.00001; gnomAD exomes 0.00001; ExAC 0.00002; ESP Exome Variant Server 0.00008.
gnomAD v4.1: 9 of 1,613,866 alleles (0.00056%); highest among the groups gnomAD compares: Admixed American, 0.0017%; no homozygotes.

Submissions (13):

Evidence-based Network for the Interpretation of Germline Mutant Alleles (ENIGMA)
Classification: Likely benign for Breast-ovarian cancer, familial, susceptibility to, 2. Last evaluated: 2017-06-29. Review status: reviewed by expert panel. Criteria: ENIGMA BRCA1/2 Classification Criteria (2017-06-29). Collection method: curation. Allele origin: germline.
Comment: Synonymous substitution variant, with low bioinformatic likelihood to result in a splicing aberration (Splicing prior probability 0.02).

CeGaT Center for Human Genetics Tuebingen
Classification: Likely benign. Last evaluated: 2025-10-01. Review status: criteria provided, single submitter. Criteria: CeGaT Center For Human Genetics Tuebingen Variant Classification Criteria Version 2. Collection method: clinical testing. Allele origin: germline. Affected: yes. Observed: 1 variant allele. Not counted in ClinVar's aggregate classification.
Comment: BRCA2: BP4, BP7

Labcorp Genetics (formerly Invitae), Labcorp
Classification: Likely benign for Hereditary breast ovarian cancer syndrome. Last evaluated: 2025-09-03. Review status: criteria provided, single submitter. Criteria: Invitae Variant Classification Sherloc (09022015). Collection method: clinical testing. Allele origin: germline. Not counted in ClinVar's aggregate classification.

Quest Diagnostics Nichols Institute San Juan Capistrano
Classification: Likely benign. Last evaluated: 2023-04-04. Review status: criteria provided, single submitter. Criteria: Quest Diagnostics criteria. Collection method: clinical testing. Allele origin: unknown. Not counted in ClinVar's aggregate classification.

Sema4
Classification: Likely benign for Hereditary cancer-predisposing syndrome. Last evaluated: 2021-07-12. Review status: criteria provided, single submitter. Criteria: Sema4 Curation Guidelines. Collection method: curation. Allele origin: germline. Not counted in ClinVar's aggregate classification.

GeneDx
Classification: Likely benign. Last evaluated: 2020-09-10. Review status: criteria provided, single submitter. Criteria: GeneDx Variant Classification Process June 2021. Collection method: clinical testing. Allele origin: germline. Affected: yes. Not counted in ClinVar's aggregate classification.

Women's Health and Genetics/Laboratory Corporation of America, LabCorp
Classification: Likely benign. Last evaluated: 2019-08-21. Review status: criteria provided, single submitter. Criteria: LabCorp Variant Classification Summary - May 2015. Collection method: clinical testing. Allele origin: germline. Not counted in ClinVar's aggregate classification.

Color Diagnostics, LLC DBA Color Health
Classification: Likely benign for Hereditary cancer-predisposing syndrome. Last evaluated: 2017-03-27. Review status: criteria provided, single submitter. Criteria: ACMG Guidelines, 2015. Collection method: clinical testing. Allele origin: germline. Not counted in ClinVar's aggregate classification.

Ambry Genetics
Classification: Likely benign for Hereditary cancer-predisposing syndrome. Last evaluated: 2014-09-03. Review status: criteria provided, single submitter. Criteria: Ambry Variant Classification Scheme 2023. Collection method: clinical testing. Allele origin: germline. Not counted in ClinVar's aggregate classification.

PreventionGenetics, part of Exact Sciences
Classification: Likely benign for BRCA2-related condition. Last evaluated: 2020-12-15. Review status: no assertion criteria provided. Collection method: clinical testing. Allele origin: germline. Not counted in ClinVar's aggregate classification.
Comment: This variant is classified as likely benign based on ACMG/AMP sequence variant interpretation guidelines (Richards et al. 2015 PMID: 25741868, with internal and published modifications).

Clinical Genetics Laboratory, Department of Pathology, Netherlands Cancer Institute
Classification: Likely benign. Review status: no assertion criteria provided. Collection method: clinical testing. Allele origin: germline. Affected: yes. Study: VKGL Data-share Consensus. Not counted in ClinVar's aggregate classification.

Department of Pathology and Laboratory Medicine, Sinai Health System
Classification: Likely benign. Review status: no assertion criteria provided. Collection method: clinical testing. Allele origin: unknown. Affected: yes. Study: The Canadian Open Genetics Repository (COGR). Not counted in ClinVar's aggregate classification.
Comment: The BRCA2 p.Cys1960Cys variant was not identified in the literature, nor was it identified in the HGMD, BIC or COSMIC databases. The variant was identified in UMD (2X as an unclassified variant). It was also identified in the NHLBI Exome Sequencing Project in 1 of 8598 European American alleles, increasing the likelihood that this may represent a low frequency benign variant in certain populations. The variant is not expected to have clinical significance because it does not result in a change of amino acid and is not located in a known consensus splice site. In summary, based on the above information, the clinical significance of this variant cannot be determined with certainty at this time although we would lean towards a more benign role for this variant. This variant is classified as predicted benign.

Joint Genome Diagnostic Labs from Nijmegen and Maastricht, Radboudumc and MUMC+
Classification: Likely benign. Review status: no assertion criteria provided. Collection method: clinical testing. Allele origin: germline. Affected: yes. Study: VKGL Data-share Consensus. Not counted in ClinVar's aggregate classification.